The following is an entry in ClinVar:

ClinVar aggregate classification (germline): Pathogenic (1 of 4 stars; one submission).

Conditions:
Angelman syndrome (AS). Also called: HAPPY PUPPET SYNDROME. Identifiers: Orphanet 72, MedGen C0162635, MONDO:0007113, OMIM 105830. Disease mechanism: loss of function. Inheritance: AS is caused by disruption of maternally imprinted UBE3A located within the 15q11.2-q13 Angelman syndrome/Prader-Willi syndrome (AS/PWS) region., imprinting disorder.

Submission:

Variantyx, Inc.
Classification: Pathogenic for Angelman syndrome. Last evaluated: 2025-08-20. Review status: criteria provided, single submitter. Criteria: Variantyx Assertion Criteria 2022. Collection method: clinical testing. Allele origin: de novo. Inheritance: Autosomal dominant inheritance. Affected: yes.
Comment: This is a frameshift variant in the UBE3A gene (OMIM: 601623). Pathogenic variants in this gene have been associated with autosomal dominant Angelman syndrome. The alteration introduces a premature termination codon in exon 6 out of 13 and is expected to result in loss of function, which is a known disease mechanism for UBE3A in this disorder (PVS1) (PMID:8988172). This variant is absent from control populations (PM2) and it has not been reported in individuals with UBE3A-related disorders in the databases available for review. Based on the current evidence, this variant is classified as pathogenic for autosomal dominant Angelman syndrome.

Literature cited by the submitters: PubMed 8988172.

NM_130839.5(UBE3A):c.1337_1338del (p.Phe446fs)

Genes: SNHG14 (small nucleolar RNA host gene 14; plus strand), UBE3A (ubiquitin protein ligase E3A; minus strand). Cytogenetic location: 15q11.2.
Variant type: Deletion.
Coding change: c.1337_1338del on transcript NM_130839.5 (MANE Select); coding-DNA positions 1337 to 1338, 2 bases deleted (TT; older notation c.1337_1338delTT).
Protein change: p.Phe446fs; shifts the reading frame from phenylalanine 446.
Molecular consequence: frameshift variant. On other transcripts: non-coding transcript variant (1), intron variant (2).
Genome position (GRCh38, 1-based): chr15:25,370,836-25,370,837, AA deleted on the plus strand (TT on the coding strand, the reverse complement: UBE3A is on the minus strand); deleting any 2 consecutive bases within chr15:25,370,836-25,370,838 gives the same sequence; the c. name uses the placement nearest the transcript's 3' end. VCF-style (leftmost placement, unchanged base first): chr15-25370835-TAA-T. GRCh37 (hg19) VCF-style: chr15-25615982-TAA-T.
Other names: c.1346_1347del, p.Phe449fs (NM_000462.5); c.1337_1338del, p.Phe446fs (NM_001354505.1, NM_001354545.2, NM_001354538.2); c.1277_1278del, p.Phe426fs (NM_001354506.2, NM_001354507.2, NM_001354508.2 and 17 more transcripts); c.1160_1161del, p.Phe387fs (NM_001354546.2); c.301+4628_301+4629del (NM_001354551.2); c.361+4628_361+4629del (NM_001354550.2); short protein forms F387fs, F426fs, F446fs, F449fs.
Identifiers: ClinVar variation 4849988 (VCV004849988.1).